The following is an entry in ClinVar:

NM_002769.5(PRSS1):c.*8A>G

Genes: PRSS1 (serine protease 1; plus strand), TRB (T cell receptor beta locus; plus strand). Cytogenetic location: 7q34.
Variant type: single nucleotide variant.
Coding change: c.*8A>G on transcript NM_002769.5 (MANE Select); 8 bases downstream of the stop codon, A replaced by G.
Molecular consequence: 3 prime UTR variant.
Genome position (GRCh38, 1-based): chr7:142,753,028, A>G. VCF-style: chr7-142753028-A-G. GRCh37 (hg19) VCF-style: chr7-142460879-A-G.
Identifiers: ClinVar variation 496178 (VCV000496178.3), dbSNP rs750733084, ClinGen allele CA4530156.

ClinVar aggregate classification (germline): Uncertain significance. Review status: criteria provided, multiple submitters, no conflicts (2 of 4 stars). 2 submissions from 2 submitters: Uncertain significance (2). Last evaluated 2016-09-12.

Conditions:
Hereditary pancreatitis (PCTT). Also called: PRSS1-Related Hereditary Pancreatitis; Hereditary chronic pancreatitis. Identifiers: Orphanet 676, MedGen C0238339, MONDO:0008185, OMIM 167800.

Allele frequency attached by ClinVar (database versions not stated): gnomAD exomes 0.00001; ExAC 0.00002; gnomAD 0.00008 and 0.00010.
gnomAD v4.1: 17 of 1,565,486 alleles (0.0011%); highest among the groups gnomAD compares: African/African-American, 0.025%; no homozygotes.

Submissions (2):

Women's Health and Genetics/Laboratory Corporation of America, LabCorp
Classification: Uncertain significance. Last evaluated: 2016-09-12. Review status: criteria provided, single submitter. Criteria: LabCorp Variant Classification Summary - May 2015. Collection method: clinical testing. Allele origin: germline.
Comment: Variant summary: The PRSS1 c.*8A>G variant is located in the 3' UTR causing the alteration of a non-conserved nucleotide. The variant of interest was observed in the large, broad control population, ExAC, with an allele frequency of 3/121358 (1/40453), predominantly in the African cohort, 3/10400 (1/3466), which does exceed the estimated maximal expected allele frequency for a pathogenic PRSS1 variant of 1/200000. Therefore, suggesting the variant is a polymorphism found in population(s) of African origin. However, the database indicates that this observance does not meet the filter threshold (low coverage), along with the cohort containing individuals that could harbor a PRSS1 phenotype, therefore these three observations in the ExAC cohort need to be cautiously considered. In addition, the variant of interest, to our knowledge, has not been reported in affected individuals via publications and/or reputable databases/clinical diagnostic laboratories; nor has it been functionally assessed. Therefore, due to the limited available information, the variant of interest has been classified as a "Variant of Uncertain Significance (VUS)," until additional information becomes available.

Ambry Genetics
Classification: Uncertain significance for Hereditary pancreatitis. Last evaluated: 2016-01-25. Review status: criteria provided, single submitter. Criteria: Ambry Variant Classification Scheme 2023. Collection method: clinical testing. Allele origin: germline.
Comment: The c.*8A>G variant is located in the 3' untranslated region (3&rsquo; UTR) of the PRSS1 gene. This variant results from an A to G substitution eight bases downstream of the last translated codon. This variant was not reported in population based cohorts in the following databases: Database of Single Nucleotide Polymorphisms (dbSNP), NHLBI Exome Sequencing Project (ESP), and 1000 Genomes Project. In the ESP, this variant was not observed in 6503 samples (13006 alleles) with coverage at this position. This nucleotide position is poorly conserved in available vertebrate species. Since supporting evidence is limited at this time, the clinical significance of this variant remains unclear.